The following is an entry in ClinVar:

NM_003001.5(SDHC):c.22C>A (p.His8Asn)

Gene: SDHC (succinate dehydrogenase complex subunit C; plus strand). Cytogenetic location: 1q23.3.
Variant type: single nucleotide variant.
Coding change: c.22C>A on transcript NM_003001.5 (MANE Select); coding-DNA position 22, C replaced by A.
Protein change: p.His8Asn; replaces histidine 8 with asparagine.
Molecular consequence: missense variant. On other transcripts: 5 prime UTR variant (2), non-coding transcript variant (1), intron variant (4).
Genome position (GRCh38, 1-based): chr1:161,323,615, C>A. VCF-style: chr1-161323615-C-A. GRCh37 (hg19) VCF-style: chr1-161293405-C-A.
Other names: c.22C>A, p.His8Asn (NM_001035511.3, NM_001035512.3, NM_001278172.3 and 2 more transcripts); c.-90C>A (NM_001407119.1); c.-208C>A (NM_001407120.1); c.21-4781C>A (NM_001407116.1, NM_001407121.1, NM_001407117.1); c.20+9190C>A (NM_001035513.3); short protein forms H8N.
Identifiers: ClinVar variation 1513452 (VCV001513452.26), dbSNP rs746666691, ClinGen allele CA046587.

ClinVar aggregate classification (germline): Uncertain significance. Review status: criteria provided, multiple submitters, no conflicts (2 of 4 stars). 4 submissions from 4 submitters: Uncertain significance (4). Last evaluated 2026-01-06.

Conditions:
Hereditary cancer-predisposing syndrome. Also called: Tumor predisposition; Neoplastic Syndromes, Hereditary; Hereditary Cancer Syndrome; Hereditary neoplastic syndrome. Identifiers: Orphanet 140162, MedGen C0027672, MeSH D009386, MONDO:0015356.
Pheochromocytoma/paraganglioma syndrome 3. Also called: GLOMUS TUMORS, FAMILIAL, 3; Paragangliomas 3; SDHC-Related Hereditary Paraganglioma-Pheochromocytoma Syndrome (Paragangliomas 3); SDHC-Related Hereditary Paraganglioma-Pheochromocytoma Syndrome. Identifiers: Orphanet 29072, MedGen C1854336, MONDO:0011544, OMIM 605373.
Gastrointestinal stromal tumor. Also called: Gastrointestinal stromal tumor, somatic; Gastrointestinal stroma tumor. Identifiers: Orphanet 44890, MedGen C0238198, MeSH D046152, MONDO:0011719, OMIM 606764, HP:0100723.

Allele frequency attached by ClinVar (database versions not stated): gnomAD 0.00001; gnomAD exomes 0.00002.
gnomAD v4.1: 24 of 1,612,810 alleles (0.0015%); highest among the groups gnomAD compares: South Asian, 0.026%; no homozygotes.

Submissions (4):

Labcorp Genetics (formerly Invitae), Labcorp
Classification: Uncertain significance for Pheochromocytoma/paraganglioma syndrome 3; Gastrointestinal stromal tumor. Last evaluated: 2026-01-06. Review status: criteria provided, single submitter. Criteria: Invitae Variant Classification Sherloc (09022015). Collection method: clinical testing. Allele origin: germline.
Comment: This sequence change replaces histidine, which is basic and polar, with asparagine, which is neutral and polar, at codon 8 of the SDHC protein (p.His8Asn). This variant is present in population databases (rs746666691, gnomAD 0.02%). This variant has not been reported in the literature in individuals affected with SDHC-related conditions. ClinVar contains an entry for this variant (Variation ID: 1513452). An algorithm developed to predict the effect of missense changes on protein structure and function outputs the following: PolyPhen-2: "Benign". The asparagine amino acid residue is found in multiple mammalian species, which suggests that this missense change does not adversely affect protein function. In summary, the available evidence is currently insufficient to determine the role of this variant in disease. Therefore, it has been classified as a Variant of Uncertain Significance.

Ambry Genetics
Classification: Uncertain significance for Hereditary cancer-predisposing syndrome. Last evaluated: 2025-06-25. Review status: criteria provided, single submitter. Criteria: Ambry Variant Classification Scheme 2023. Collection method: clinical testing. Allele origin: germline.
Comment: The p.H8N variant (also known as c.22C>A), located in coding exon 2 of the SDHC gene, results from a C to A substitution at nucleotide position 22. The histidine at codon 8 is replaced by asparagine, an amino acid with similar properties. This alteration was identified in 2/1358 non-cancer control individuals and in 0/57 cases, in a study looking at cancer predisposition mutations in patients with cutaneous melanoma and a history of at least two additional non-cutaneous melanoma primary cancers (Pritchard AL et al. PLoS One, 2018 Apr;13:e0194098). This amino acid position is well conserved in available vertebrate species. In addition, the in silico prediction for this alteration is inconclusive. Since supporting evidence is limited at this time, the clinical significance of this alteration remains unclear.

GeneDx
Classification: Uncertain significance. Last evaluated: 2025-05-16. Review status: criteria provided, single submitter. Criteria: GeneDx Variant Classification Process June 2021. Collection method: clinical testing. Allele origin: germline. Affected: yes.
Comment: In silico analysis supports that this missense variant has a deleterious effect on protein structure/function; Has not been previously published as pathogenic or benign to our knowledge; This variant is associated with the following publications: (PMID: 29641532)

Neuberg Centre For Genomic Medicine, NCGM
Classification: Uncertain significance for Pheochromocytoma/paraganglioma syndrome 3. Review status: criteria provided, single submitter. Criteria: ACMG Guidelines, 2015. Collection method: clinical testing. Allele origin: germline. Inheritance: Autosomal dominant inheritance. Affected: yes.
Comment: The missense variant p.H8N in SDHC (NM_003001.5) has not been reported previously as a pathogenic variant nor as a benign variant, to our knowledge. The p.His8Asn variant is novel (not in any individuals) in 1000 Genomes. There is a small physicochemical difference between histidine and asparagine, which is not likely to impact secondary protein structure as these residues share similar properties. In silico tools predict the variant to be tolerated. The residue is conserved across species. The amino acid change p.His8Asn in SDHC is predicted as conserved by GERP++ and PhyloP across 100 vertebrates. For these reasons, this variant has been classified as Uncertain Significance.

Literature cited by the submitters: PubMed 29641532 (cited by Ambry Genetics).